The following is an entry in ClinVar:

NM_001134831.2(AHI1):c.750-2A>G

Gene: AHI1 (Abelson helper integration site 1; minus strand). Cytogenetic location: 6q23.3.
Variant type: single nucleotide variant.
Coding change: c.750-2A>G on transcript NM_001134831.2 (MANE Select); the canonical splice acceptor site of the intron before coding-DNA position 750, A replaced by G.
Molecular consequence: splice acceptor variant.
Genome position (GRCh38, 1-based): chr6:135,463,308, T>C on the plus strand (A>G on the coding strand, the complement: AHI1 is on the minus strand). VCF-style: chr6-135463308-T-C. GRCh37 (hg19) VCF-style: chr6-135784446-T-C.
Other names: c.750-2A>G (NM_001134830.2, NM_001350503.2, NM_017651.5 and 2 more transcripts).
Identifiers: ClinVar variation 2833338 (VCV002833338.3), dbSNP rs2484977012, ClinGen allele CA365749652.

ClinVar aggregate classification (germline): Likely pathogenic (1 of 4 stars; one submission).

Conditions:
Joubert syndrome. Also called: CEREBELLOPARENCHYMAL DISORDER IV; JOUBERT-BOLTSHAUSER SYNDROME; Familial aplasia of the vermis. Identifiers: Orphanet 475, MedGen C5979921, MONDO:0018772.

Submission:

Labcorp Genetics (formerly Invitae), Labcorp
Classification: Likely pathogenic for Joubert syndrome. Last evaluated: 2023-10-12. Review status: criteria provided, single submitter. Criteria: Invitae Variant Classification Sherloc (09022015). Collection method: clinical testing. Allele origin: germline.
Comment: This sequence change affects an acceptor splice site in intron 6 of the AHI1 gene. It is expected to disrupt RNA splicing. Variants that disrupt the donor or acceptor splice site typically lead to a loss of protein function (PMID: 16199547), and loss-of-function variants in AHI1 are known to be pathogenic (PMID: 15322546, 16453322, 28442542, 29186038). This variant is not present in population databases (gnomAD no frequency). This variant has not been reported in the literature in individuals affected with AHI1-related conditions. Algorithms developed to predict the effect of sequence changes on RNA splicing suggest that this variant may disrupt the consensus splice site. In summary, the currently available evidence indicates that the variant is pathogenic, but additional data are needed to prove that conclusively. Therefore, this variant has been classified as Likely Pathogenic.

Literature cited by the submitters: PubMed 16199547; PubMed 15322546; PubMed 16453322; PubMed 28442542; PubMed 29186038.